The following is an entry in ClinVar:

ClinVar aggregate classification (germline): Uncertain significance (1 of 4 stars; one submission).

Conditions:
Hereditary cancer-predisposing syndrome. Also called: Tumor predisposition; Hereditary Cancer Syndrome; Hereditary neoplastic syndrome; Neoplastic Syndromes, Hereditary. Identifiers: Orphanet 140162, MedGen C0027672, MeSH D009386, MONDO:0015356.

Submission:

Ambry Genetics
Classification: Uncertain significance for Hereditary cancer-predisposing syndrome. Last evaluated: 2024-06-18. Review status: criteria provided, single submitter. Criteria: Ambry Variant Classification Scheme 2023. Collection method: clinical testing. Allele origin: germline.
Comment: The p.S758Y variant (also known as c.2273C>A), located in coding exon 18 of the POLD1 gene, results from a C to A substitution at nucleotide position 2273. The serine at codon 758 is replaced by tyrosine, an amino acid with dissimilar properties. This amino acid position is conserved. In addition, this alteration is predicted to be deleterious by in silico analysis. Based on the available evidence, the clinical significance of this variant remains unclear.

NM_002691.4(POLD1):c.2273C>A (p.Ser758Tyr)

Gene: POLD1 (DNA polymerase delta 1, catalytic subunit; plus strand). Cytogenetic location: 19q13.33.
Variant type: single nucleotide variant.
Coding change: c.2273C>A on transcript NM_002691.4 (MANE Select); coding-DNA position 2273, C replaced by A.
Protein change: p.Ser758Tyr; replaces serine 758 with tyrosine.
Molecular consequence: missense variant. On other transcripts: non-coding transcript variant (1).
Genome position (GRCh38, 1-based): chr19:50,413,764, C>A. VCF-style: chr19-50413764-C-A. GRCh37 (hg19) VCF-style: chr19-50917021-C-A.
Other names: c.2273C>A, p.Ser758Tyr (NM_001256849.1); c.2351C>A, p.Ser784Tyr (NM_001308632.1); short protein forms S784Y, S758Y.
Identifiers: ClinVar variation 3308312 (VCV003308312.1).